The following is an entry in ClinVar:

ClinVar aggregate classification (germline): Benign/Likely benign. Review status: criteria provided, multiple submitters, no conflicts (2 of 4 stars). 5 submissions from 5 submitters: Benign (1); Likely benign (4). Last evaluated 2024-08-06.

Conditions:
Hereditary cancer-predisposing syndrome. Also called: Hereditary Cancer Syndrome; Neoplastic Syndromes, Hereditary; Hereditary neoplastic syndrome; Tumor predisposition. Identifiers: Orphanet 140162, MedGen C0027672, MeSH D009386, MONDO:0015356.
Familial adenomatous polyposis 1 (FAP1). Also called: FAMILIAL ADENOMATOUS POLYPOSIS 1, ATTENUATED; POLYPOSIS, ADENOMATOUS INTESTINAL. Identifiers: MedGen C2713442, MONDO:0021056, OMIM 175100. Disease mechanism: loss of function.
Classic or attenuated familial adenomatous polyposis. Identifiers: MedGen CN372698, MONDO:0021057.

Submissions (5):

All of Us Research Program, National Institutes of Health
Classification: Likely benign for Classic or attenuated familial adenomatous polyposis. Last evaluated: 2024-08-06. Review status: criteria provided, single submitter. Criteria: ACMG Guidelines, 2015. Collection method: clinical testing. Allele origin: germline. Inheritance: Autosomal dominant inheritance. Observed: 1 variant allele, 1 heterozygote.
Comment: This study involves interpretation of variants in research participants for the purpose of population health screening. Participant phenotype was not available at the time of variant classification. Additional details can be found in publication PMID: 35346344, PMCID: PMC8962531

Labcorp Genetics (formerly Invitae), Labcorp
Classification: Likely benign for Familial adenomatous polyposis 1. Last evaluated: 2024-04-15. Review status: criteria provided, single submitter. Criteria: Invitae Variant Classification Sherloc (09022015). Collection method: clinical testing. Allele origin: germline.

Myriad Genetics, Inc.
Classification: Benign for Familial adenomatous polyposis 1. Last evaluated: 2024-04-12. Review status: criteria provided, single submitter. Criteria: Myriad Autosomal Dominant, Autosomal Recessive and X-Linked Classification Criteria (2023). Collection method: clinical testing. Allele origin: unknown.
Comment: This variant is considered benign. This variant is a silent/synonymous amino acid change and it is not expected to impact splicing.

Color Diagnostics, LLC DBA Color Health
Classification: Likely benign for Hereditary cancer-predisposing syndrome. Last evaluated: 2022-08-08. Review status: criteria provided, single submitter. Criteria: ACMG Guidelines, 2015. Collection method: clinical testing. Allele origin: germline.

Ambry Genetics
Classification: Likely benign for Hereditary cancer-predisposing syndrome. Last evaluated: 2021-06-13. Review status: criteria provided, single submitter. Criteria: Ambry Variant Classification Scheme 2023. Collection method: clinical testing. Allele origin: germline.

NM_000038.6(APC):c.8082T>A (p.Ile2694=)

Gene: APC (APC regulator of Wnt signaling pathway; plus strand). Cytogenetic location: 5q22.2.
Variant type: single nucleotide variant.
Coding change: c.8082T>A on transcript NM_000038.6 (MANE Select); coding-DNA position 8082, T replaced by A.
Protein change: p.Ile2694=; no amino-acid change (isoleucine 2694 retained).
Molecular consequence: synonymous variant.
Genome position (GRCh38, 1-based): chr5:112,843,676, T>A. VCF-style: chr5-112843676-T-A. GRCh37 (hg19) VCF-style: chr5-112179373-T-A.
Other names: c.8082T>A, p.Ile2694= (NM_001127510.3, NM_001354895.2); c.8028T>A, p.Ile2676= (NM_001127511.3); c.8136T>A, p.Ile2712= (NM_001354896.2); c.8112T>A, p.Ile2704= (NM_001354897.2); c.8007T>A, p.Ile2669= (NM_001354898.2); c.7998T>A, p.Ile2666= (NM_001354899.2); c.7959T>A, p.Ile2653= (NM_001354900.2); c.7905T>A, p.Ile2635= (NM_001354901.2); and 5 more.
Identifiers: ClinVar variation 1139753 (VCV001139753.16), dbSNP rs2149998938, ClinGen allele CA446211060.
Genomic context (GRCh38, chr5:112,843,676, plus strand): 5'-TCCCACAGGTAATACTCCCCCGGTGATTGACAGTGTTTCAGAAAAGGCAAATCCAAACAT[T>A]AAAGATTCAAAAGATAATCAGGCAAAACAAAATGTGGGTAATGGCAGTGTTCCCATGCGT-3'
Protein context (NP_000029.2, residues 2684-2704): DSVSEKANPN[Ile2694=]KDSKDNQAKQ